The following is an entry in ClinVar:

ClinVar aggregate classification (germline): Pathogenic (1 of 4 stars; one submission).

Submission:

Labcorp Genetics (formerly Invitae), Labcorp
Classification: Pathogenic. Last evaluated: 2024-12-11. Review status: criteria provided, single submitter. Criteria: Invitae Variant Classification Sherloc (09022015). Collection method: clinical testing. Allele origin: germline.
Comment: This sequence change creates a premature translational stop signal (p.Gln430*) in the DMP1 gene. It is expected to result in an absent or disrupted protein product. Loss-of-function variants in DMP1 are known to be pathogenic (PMID: 16294270, 17033621, 19007919). This variant is not present in population databases (gnomAD no frequency). This variant has not been reported in the literature in individuals affected with DMP1-related conditions. For these reasons, this variant has been classified as Pathogenic.

Literature cited by the submitters: PubMed 16294270; PubMed 17033621; PubMed 19007919.

NM_004407.4(DMP1):c.1288C>T (p.Gln430Ter)

Genes: DMP1 (dentin matrix acidic phosphoprotein 1; plus strand), DMP1-AS1 (DMP1 and DSPP antisense RNA 1; minus strand). Cytogenetic location: 4q22.1.
Variant type: single nucleotide variant.
Coding change: c.1288C>T on transcript NM_004407.4 (MANE Select); coding-DNA position 1288, C replaced by T.
Protein change: p.Gln430Ter; replaces glutamine 430 with a stop codon.
Molecular consequence: nonsense.
Genome position (GRCh38, 1-based): chr4:87,663,066, C>T. VCF-style: chr4-87663066-C-T. GRCh37 (hg19) VCF-style: chr4-88584218-C-T.
Other names: c.1240C>T, p.Gln414Ter (NM_001079911.3); short protein forms Q414*, Q430*.
Identifiers: ClinVar variation 3606166 (VCV003606166.1).